The following is an entry in ClinVar:

ClinVar aggregate classification (germline): Uncertain significance (1 of 4 stars; one submission).

Conditions:
Cardiovascular phenotype. Identifiers: MedGen CN230736.

Allele frequency attached by ClinVar (database versions not stated): gnomAD exomes below 0.00001; TOPMed 0.00001.
gnomAD v4.1: 1 of 1,614,112 alleles (0.000062%); highest among the groups gnomAD compares: Non-Finnish European, 0.000085%; no homozygotes.

Submission:

Ambry Genetics
Classification: Uncertain significance for Cardiovascular phenotype. Last evaluated: 2024-03-07. Review status: criteria provided, single submitter. Criteria: Ambry Variant Classification Scheme 2023. Collection method: clinical testing. Allele origin: germline.
Comment: The p.F304I variant (also known as c.910T>A), located in coding exon 6 of the ABCG8 gene, results from a T to A substitution at nucleotide position 910. The phenylalanine at codon 304 is replaced by isoleucine, an amino acid with highly similar properties. This amino acid position is conserved. In addition, this alteration is predicted to be deleterious by in silico analysis. Based on the available evidence, the clinical significance of this alteration remains unclear.

NM_022437.3(ABCG8):c.910T>A (p.Phe304Ile)

Gene: ABCG8 (ATP binding cassette subfamily G member 8; plus strand). Cytogenetic location: 2p21.
Variant type: single nucleotide variant.
Coding change: c.910T>A on transcript NM_022437.3 (MANE Select); coding-DNA position 910, T replaced by A.
Protein change: p.Phe304Ile; replaces phenylalanine 304 with isoleucine.
Molecular consequence: missense variant.
Genome position (GRCh38, 1-based): chr2:43,852,814, T>A. VCF-style: chr2-43852814-T-A. GRCh37 (hg19) VCF-style: chr2-44079953-T-A.
Other names: c.910T>A, p.Phe304Ile (NM_001357321.2); short protein forms F304I.
Identifiers: ClinVar variation 3227794 (VCV003227794.1), dbSNP rs1668974592, ClinGen allele CA346666926.